The following is an entry in ClinVar:

NM_032242.4(PLXNA1):c.3148A>G (p.Ile1050Val)

Gene: PLXNA1 (plexin A1; plus strand). Cytogenetic location: 3q21.3.
Variant type: single nucleotide variant.
Coding change: c.3148A>G on transcript NM_032242.4 (MANE Select); coding-DNA position 3148, A replaced by G.
Protein change: p.Ile1050Val; replaces isoleucine 1050 with valine.
Molecular consequence: missense variant.
Genome position (GRCh38, 1-based): chr3:127,016,650, A>G. VCF-style: chr3-127016650-A-G. GRCh37 (hg19) VCF-style: chr3-126735493-A-G.
Other names: short protein forms I1050V.
Identifiers: ClinVar variation 3358797 (VCV003358797.1).

ClinVar aggregate classification (germline): Uncertain significance (0 of 4 stars; one submission).

Conditions:
PLXNA1-related disorder. Also called: PLXNA1-related condition.

gnomAD v4.1: 13 of 1,613,932 alleles (0.00081%); highest among the groups gnomAD compares: Middle Eastern, 0.017%; no homozygotes.

Submission:

PreventionGenetics, part of Exact Sciences
Classification: Uncertain significance for PLXNA1-related condition. Last evaluated: 2024-05-27. Review status: no assertion criteria provided. Collection method: clinical testing. Allele origin: germline.
Comment: The PLXNA1 c.3148A>G variant is predicted to result in the amino acid substitution p.Ile1050Val. To our knowledge, this variant has not been reported in the literature. This variant is reported in 0.012% of alleles in individuals of African descent in gnomAD. At this time, the clinical significance of this variant is uncertain due to the absence of conclusive functional and genetic evidence.